The following is an entry in ClinVar:

NM_000540.3(RYR1):c.8932+3A>G

Gene: RYR1 (ryanodine receptor 1; plus strand). Cytogenetic location: 19q13.2.
Variant type: single nucleotide variant.
Coding change: c.8932+3A>G on transcript NM_000540.3 (MANE Select); 3 bases into the intron after coding-DNA position 8932, A replaced by G.
Molecular consequence: intron variant.
Genome position (GRCh38, 1-based): chr19:38,507,830, A>G. VCF-style: chr19-38507830-A-G. GRCh37 (hg19) VCF-style: chr19-38998470-A-G.
Other names: c.8932+3A>G (NM_001042723.2).
Identifiers: ClinVar variation 3070236 (VCV003070236.2), dbSNP rs2514379358, ClinGen allele CA2584902297.

ClinVar aggregate classification (germline): Uncertain significance. Review status: criteria provided, multiple submitters, no conflicts (2 of 4 stars). 2 submissions from 2 submitters: Uncertain significance (2). Last evaluated 2025-09-09.

Conditions:
Malignant hyperthermia, susceptibility to, 1 (MHS1). Also called: RYR1-Related Malignant Hyperthermia Susceptibility; Anesthesia related hyperthermia; Malignant hyperpyrexia; Fulminating hyperpyrexia; Pharmacogenic myopathy; Malignant hyperthermia suceptibility 1. Identifiers: Orphanet 423, MedGen C2930980, MONDO:0007783, OMIM 145600.

Allele frequency attached by ClinVar (database versions not stated): gnomAD exomes below 0.00001.
gnomAD v4.1: 1 of 1,587,938 alleles (0.000063%); highest among the groups gnomAD compares: Non-Finnish European, 0.000086%; no homozygotes.

Submissions (2):

Color Diagnostics, LLC DBA Color Health
Classification: Uncertain significance for Malignant hyperthermia, susceptibility to, 1. Last evaluated: 2025-09-09. Review status: criteria provided, single submitter. Criteria: ACMG Guidelines, 2015. Collection method: clinical testing. Allele origin: germline.
Comment: This variant causes an A to G nucleotide substitution at the +3 position of intron 58 of the RYR1 gene. To our knowledge, RNA studies have not been reported for this variant. This variant has not been reported in individuals affected with RYR1-related disorders in the literature. This variant has not been identified in the general population by the Genome Aggregation Database (gnomAD). The available evidence is insufficient to determine the role of this variant in disease conclusively. Therefore, this variant is classified as a Variant of Uncertain Significance.

All of Us Research Program, National Institutes of Health
Classification: Uncertain significance for Malignant hyperthermia, susceptibility to, 1. Last evaluated: 2023-04-03. Review status: criteria provided, single submitter. Criteria: ACMG Guidelines, 2015. Collection method: clinical testing. Allele origin: germline. Inheritance: Autosomal dominant inheritance. Observed: 1 variant allele, 1 heterozygote.
Comment: This variant causes an A to G nucleotide substitution at the +3 position of intron 58 of the RYR1 gene. To our knowledge, functional studies have not been reported for this variant. This variant has not been reported in individuals affected with RYR1-related disorders in the literature. This variant has not been identified in the general population by the Genome Aggregation Database (gnomAD). The available evidence is insufficient to determine the role of this variant in disease conclusively. Therefore, this variant is classified as a Variant of Uncertain Significance.

This study involves interpretation of variants in research participants for the purpose of population health screening. Participant phenotype was not available at the time of variant classification. Additional details can be found in publication PMID: 35346344, PMCID: PMC8962531